The following is an entry in ClinVar:

NM_001845.6(COL4A1):c.2066T>C (p.Ile689Thr)

Gene: COL4A1 (collagen type IV alpha 1 chain; minus strand). Cytogenetic location: 13q34.
Variant type: single nucleotide variant.
Coding change: c.2066T>C on transcript NM_001845.6 (MANE Select); coding-DNA position 2066, T replaced by C.
Protein change: p.Ile689Thr; replaces isoleucine 689 with threonine.
Molecular consequence: missense variant.
Genome position (GRCh38, 1-based): chr13:110,183,022, A>G on the plus strand (T>C on the coding strand, the complement: COL4A1 is on the minus strand). VCF-style: chr13-110183022-A-G. GRCh37 (hg19) VCF-style: chr13-110835369-A-G.
Other names: short protein forms I689T.
Identifiers: ClinVar variation 3061046 (VCV003061046.2), dbSNP rs1248370779, ClinGen allele CA388669099.

ClinVar aggregate classification (germline): Uncertain significance (0 of 4 stars; one submission).

Conditions:
COL4A1-related disorder. Also called: COL4A1-related disorders; COL4A1-related condition. Identifiers: MedGen CN376119, MONDO:0800461.

Submission:

PreventionGenetics, part of Exact Sciences
Classification: Uncertain significance for COL4A1-related condition. Last evaluated: 2024-02-05. Review status: no assertion criteria provided. Collection method: clinical testing. Allele origin: germline.
Comment: The COL4A1 c.2066T>C variant is predicted to result in the amino acid substitution p.Ile689Thr. To our knowledge, this variant has not been reported in the literature. This variant is reported in 0.0065% of alleles in individuals of European (Non-Finnish) descent in gnomAD. At this time, the clinical significance of this variant is uncertain due to the absence of conclusive functional and genetic evidence.